The following is an entry in ClinVar:

NM_024334.3(TMEM43):c.227del (p.Ser76fs)

Gene: TMEM43 (transmembrane protein 43; plus strand). Cytogenetic location: 3p25.1.
Variant type: Deletion.
Coding change: c.227del on transcript NM_024334.3 (MANE Select); coding-DNA position 227, one base deleted (G; older notation c.227delG).
Protein change: p.Ser76fs; shifts the reading frame from serine 76.
Molecular consequence: frameshift variant.
Genome position (GRCh38, 1-based): chr3:14,130,886, G deleted. VCF-style (leftmost placement, unchanged base first): chr3-14130885-AG-A. GRCh37 (hg19) VCF-style: chr3-14172385-AG-A.
Other names: c.227delG, p.Ser76Thrfs (NM_001407276.1, NM_001407277.1, NM_001407279.1 and 2 more transcripts); c.212delG, p.Ser71Thrfs (NM_001407278.1); c.77delG, p.Ser26Thrfs (NM_001407280.1); short protein forms S76fs.
Identifiers: ClinVar variation 1788911 (VCV001788911.6), dbSNP rs1326435428, ClinGen allele CA541296239.

ClinVar aggregate classification (germline): Uncertain significance. Review status: criteria provided, multiple submitters, no conflicts (2 of 4 stars). 3 submissions from 3 submitters: Uncertain significance (3). Last evaluated 2025-04-23.

Conditions:
Cardiovascular phenotype. Identifiers: MedGen CN230736.
Arrhythmogenic right ventricular dysplasia 5. Also called: Arrhythmogenic Right Ventricular Dysplasia/Cardiomyopathy 5; ARRHYTHMOGENIC RIGHT VENTRICULAR DYSPLASIA, FAMILIAL, 5. Identifiers: MedGen C1858379, MONDO:0011459, OMIM 604400.
Cardiomyopathy (CMYO). Also called: Cardiomyopathies. Identifiers: Orphanet 167848, MedGen C0878544, MONDO:0004994, HP:0001638. Inheritance: Various modes of inheritance.

Allele frequency attached by ClinVar (database versions not stated): TOPMed below 0.00001; gnomAD 0.00001.

Submissions (3):

Labcorp Genetics (formerly Invitae), Labcorp
Classification: Uncertain significance for Arrhythmogenic right ventricular dysplasia 5. Last evaluated: 2025-04-23. Review status: criteria provided, single submitter. Criteria: Invitae Variant Classification Sherloc (09022015). Collection method: clinical testing. Allele origin: germline.
Comment: This sequence change creates a premature translational stop signal (p.Ser76Thrfs*38) in the TMEM43 gene. It is expected to result in an absent or disrupted protein product. However, the current clinical and genetic evidence is not sufficient to establish whether loss-of-function variants in TMEM43 cause disease. This variant is present in population databases (no rsID available, gnomAD 0.007%). This variant has not been reported in the literature in individuals affected with TMEM43-related conditions. ClinVar contains an entry for this variant (Variation ID: 1788911). In summary, the available evidence is currently insufficient to determine the role of this variant in disease. Therefore, it has been classified as a Variant of Uncertain Significance.

Color Diagnostics, LLC DBA Color Health
Classification: Uncertain significance for Cardiomyopathy. Last evaluated: 2024-01-03. Review status: criteria provided, single submitter. Criteria: ACMG Guidelines, 2015. Collection method: clinical testing. Allele origin: germline.
Comment: This variant deletes 1 nucleotide in exon 3/12 of the TMEM43 gene, creating a frameshift and premature translation stop signal. This variant is expected to result in an absent or non-functional protein product. To our knowledge, this variant has not been reported in individuals affected with TMEM43-related disorders in the literature. This variant has been identified in 1/251078 chromosomes in the general population by the Genome Aggregation Database (gnomAD). Clinical relevance of loss-of-function truncation and splice variants in the TMEM43 gene is not clearly established. The available evidence is insufficient to determine the role of this variant in disease conclusively. Therefore, this variant is classified as a Variant of Uncertain Significance.

Ambry Genetics
Classification: Uncertain significance for Cardiovascular phenotype. Last evaluated: 2022-08-03. Review status: criteria provided, single submitter. Criteria: Ambry Variant Classification Scheme 2023. Collection method: clinical testing. Allele origin: germline.
Comment: The c.227delG variant, located in coding exon 3 of the TMEM43 gene, results from a deletion of one nucleotide at nucleotide position 227, causing a translational frameshift with a predicted alternate stop codon (p.S76Tfs*38). This alteration is expected to result in premature protein truncation or nonsense-mediated mRNA decay. However, loss of function of TMEM43 has not been clearly established as a mechanism of disease. Since supporting evidence is limited at this time, the clinical significance of this alteration remains unclear.